The following is an entry in ClinVar:

ClinVar aggregate classification (germline): Pathogenic (1 of 4 stars; one submission).

Conditions:
Jeune thoracic dystrophy. Also called: Short-rib thoracic dysplasia; Jeune syndrome; Infantile thoracic dystrophy; Thoracic pelvic phalangeal dystrophy; Jeune's syndrome; Chondroectodermal dysplasia-like syndrome. Identifiers: Orphanet 474, MedGen C0265275, MONDO:0018770.

Allele frequency attached by ClinVar (database versions not stated): gnomAD exomes below 0.00001.
gnomAD v4.1: 1 of 1,588,434 alleles (0.000063%); highest among the groups gnomAD compares: Non-Finnish European, 0.000086%; no homozygotes.

Submission:

Labcorp Genetics (formerly Invitae), Labcorp
Classification: Pathogenic for Jeune thoracic dystrophy. Last evaluated: 2023-08-04. Review status: criteria provided, single submitter. Criteria: Invitae Variant Classification Sherloc (09022015). Collection method: clinical testing. Allele origin: germline.
Comment: This variant has not been reported in the literature in individuals affected with DYNC2H1-related conditions. This variant is not present in population databases (gnomAD no frequency). This sequence change creates a premature translational stop signal (p.Ser258*) in the DYNC2H1 gene. It is expected to result in an absent or disrupted protein product. Loss-of-function variants in DYNC2H1 are known to be pathogenic (PMID: 23339108, 32753734, 33755199). For these reasons, this variant has been classified as Pathogenic.

Literature cited by the submitters: PubMed 23339108; PubMed 32753734; PubMed 33755199.

NM_001377.3(DYNC2H1):c.773C>A (p.Ser258Ter)

Gene: DYNC2H1 (dynein cytoplasmic 2 heavy chain 1; plus strand). Cytogenetic location: 11q22.3.
Variant type: single nucleotide variant.
Coding change: c.773C>A on transcript NM_001377.3 (MANE Select); coding-DNA position 773, C replaced by A.
Protein change: p.Ser258Ter; replaces serine 258 with a stop codon.
Molecular consequence: nonsense.
Genome position (GRCh38, 1-based): chr11:103,117,637, C>A. VCF-style: chr11-103117637-C-A. GRCh37 (hg19) VCF-style: chr11-102988366-C-A.
Other names: c.773C>A, p.Ser258Ter (NM_001080463.2); short protein forms S258*.
Identifiers: ClinVar variation 2802541 (VCV002802541.3), dbSNP rs2496799241, ClinGen allele CA382247608.